The following is an entry in ClinVar:

NT_187614.1:g.363601_383924dup

Variant type: Duplication.
Identifiers: ClinVar variation 157383 (VCV000157383.3).

ClinVar aggregate classification (germline): not provided (0 of 4 stars; one submission).

Conditions:
Gestational diabetes mellitus uncontrolled. Identifiers: MedGen C3532257.

Submission:

Institute of Molecular and Cell Biology, University of Tartu
No classification provided. Condition: Gestational diabetes mellitus uncontrolled. Review status: no classification provided. Collection method: case-control. Allele origin: unknown. Affected: yes. Study: Kasak2014.
Comment: The study aimed to determine the contribution of copy number variants in the genetic etiology of normal and complicated pregnancies. The samples represented (i) maternal blood DNA drawn from healthy pregnant women during 1st or 2nd trimester and (ii) maternal and paternal blood DNA drawn at term pregnancy cases representing normal and complicated gestations (severe preeclampsia, PE; gestational diabetes, GD; small-for-gestational age newborn, SGA; large-for-gestational age newborn, LGA). We performed CNV calling based on genome-wide genotyping dataset (Illumina HumanOmniExpress-24-v1 BeadChip) by applying three algorithms, QuantiSNP, GADA (Genome Alteration Detection Algorithm) and CNstream in parallel. The acquired CNV calls were merged with HD-CNV (Hotspot Detector for Copy Number Variants) program and only the CNVs predicted by at least two programs, were considered in subsequent analysis.

Literature cited by the submitters: PubMed 25666259.